The following is an entry in ClinVar:

ClinVar aggregate classification (germline): Likely benign. Review status: criteria provided, single submitter (1 of 4 stars). 4 submissions from 4 submitters: Likely benign (1). 3 of the submissions do not count toward it. Last evaluated 2025-10-07.

Conditions:
T-B+ severe combined immunodeficiency due to JAK3 deficiency. Also called: SCID, T CELL-NEGATIVE, B CELL-POSITIVE, NK CELL-NEGATIVE; SCID, autosomal recessive, T-negative/B-positive type. Identifiers: Orphanet 35078, MedGen C1833275, MONDO:0010938, OMIM 600802.

Allele frequency attached by ClinVar (database versions not stated): TOPMed 0.00003; gnomAD 0.00005 and 0.00007; gnomAD exomes 0.00002; ExAC 0.00003; ESP Exome Variant Server 0.00015; 1000 Genomes Project 0.00040; 1000 Genomes Project 30x 0.00031.
gnomAD v4.1: 36 of 1,609,862 alleles (0.0022%); highest among the groups gnomAD compares: South Asian, 0.013%; no homozygotes.

Submissions (4):

Labcorp Genetics (formerly Invitae), Labcorp
Classification: Likely benign for T-B+ severe combined immunodeficiency due to JAK3 deficiency. Last evaluated: 2025-10-07. Review status: criteria provided, single submitter. Criteria: Invitae Variant Classification Sherloc (09022015). Collection method: clinical testing. Allele origin: germline.

ITMI
No classification provided. Condition: AllHighlyPenetrant. Last evaluated: 2013-09-19. Review status: no classification provided. Collection method: reference population. Allele origin: germline. Not counted in ClinVar's aggregate classification.
Comment: Please see associated publication for description of ethnicities

Clinical Genetics DNA and cytogenetics Diagnostics Lab, Erasmus MC, Erasmus Medical Center
Classification: Likely benign. Review status: no assertion criteria provided. Collection method: clinical testing. Allele origin: germline. Affected: yes. Study: VKGL Data-share Consensus. Not counted in ClinVar's aggregate classification.

Diagnostic Laboratory, Department of Genetics, University Medical Center Groningen
Classification: Likely benign. Review status: no assertion criteria provided. Collection method: clinical testing. Allele origin: germline. Affected: yes. Study: VKGL Data-share Consensus. Not counted in ClinVar's aggregate classification.

Literature cited by the submitters: PubMed 24728327 (cited by ITMI).

NM_000215.4(JAK3):c.1352G>A (p.Arg451Gln)

Gene: JAK3 (Janus kinase 3; minus strand). Cytogenetic location: 19p13.11.
Variant type: single nucleotide variant.
Coding change: c.1352G>A on transcript NM_000215.4 (MANE Select); coding-DNA position 1352, G replaced by A.
Protein change: p.Arg451Gln; replaces arginine 451 with glutamine.
Molecular consequence: missense variant.
Genome position (GRCh38, 1-based): chr19:17,839,566, C>T on the plus strand (G>A on the coding strand, the complement: JAK3 is on the minus strand). VCF-style: chr19-17839566-C-T. GRCh37 (hg19) VCF-style: chr19-17950375-C-T.
Other names: short protein forms R451Q.
Identifiers: ClinVar variation 134565 (VCV000134565.10), dbSNP rs145751599, ClinGen allele CA160201.